The following is an entry in ClinVar:

NM_000515.5(GH1):c.466G>T (p.Asp156Tyr)

Genes: GH-LCR (growth hormone locus control region; plus strand), GH1 (growth hormone 1; minus strand). Cytogenetic location: 17q23.3.
Variant type: single nucleotide variant.
Coding change: c.466G>T on transcript NM_000515.5 (MANE Select); coding-DNA position 466, G replaced by T.
Protein change: p.Asp156Tyr; replaces aspartic acid 156 with tyrosine.
Molecular consequence: missense variant.
Genome position (GRCh38, 1-based): chr17:63,917,497, C>A on the plus strand (G>T on the coding strand, the complement: GH1 is on the minus strand). VCF-style: chr17-63917497-C-A. GRCh37 (hg19) VCF-style: chr17-61994857-C-A.
Other names: c.421G>T, p.Asp141Tyr (NM_022559.4); c.346G>T, p.Asp116Tyr (NM_022560.4); c.466G>T (NM_000515.3); short protein forms D116Y, D141Y, D156Y.
Identifiers: ClinVar variation 2150669 (VCV002150669.6), dbSNP rs770336766, ClinGen allele CA8708150.

ClinVar aggregate classification (germline): Uncertain significance. Review status: criteria provided, multiple submitters, no conflicts (2 of 4 stars). 3 submissions from 3 submitters: Uncertain significance (3). Last evaluated 2026-05-12.

Conditions:
Inborn genetic diseases. Identifiers: MedGen C0950123, MeSH D030342.

Allele frequency attached by ClinVar (database versions not stated): gnomAD 0.00001; gnomAD exomes 0.00003; ExAC 0.00008.
gnomAD v4.1: 46 of 1,613,828 alleles (0.0029%); highest among the groups gnomAD compares: South Asian, 0.046%; no homozygotes.

Submissions (3):

Women's Health and Genetics/Laboratory Corporation of America, LabCorp
Classification: Uncertain significance. Last evaluated: 2026-05-12. Review status: criteria provided, single submitter. Criteria: LabCorp Variant Classification Summary - May 2015. Collection method: clinical testing. Allele origin: germline.

Labcorp Genetics (formerly Invitae), Labcorp
Classification: Uncertain significance. Last evaluated: 2026-01-08. Review status: criteria provided, single submitter. Criteria: Invitae Variant Classification Sherloc (09022015). Collection method: clinical testing. Allele origin: germline.
Comment: This sequence change replaces aspartic acid, which is acidic and polar, with tyrosine, which is neutral and polar, at codon 156 of the GH1 protein (p.Asp156Tyr). This variant is present in population databases (rs770336766, gnomAD 0.06%). This variant has not been reported in the literature in individuals affected with GH1-related conditions. ClinVar contains an entry for this variant (Variation ID: 2150669). An algorithm developed to predict the effect of missense changes on protein structure and function (PolyPhen-2) suggests that this variant is likely to be disruptive. In summary, the available evidence is currently insufficient to determine the role of this variant in disease. Therefore, it has been classified as a Variant of Uncertain Significance.

Ambry Genetics
Classification: Uncertain significance for Inborn genetic diseases. Last evaluated: 2025-04-08. Review status: criteria provided, single submitter. Criteria: Ambry Variant Classification Scheme 2023. Collection method: clinical testing. Allele origin: germline.